The following is an entry in ClinVar:

ClinVar aggregate classification (germline): Uncertain significance (1 of 4 stars; one submission).

Submission:

GeneDx
Classification: Uncertain significance. Last evaluated: 2024-02-27. Review status: criteria provided, single submitter. Criteria: GeneDx Variant Classification Process June 2021. Collection method: clinical testing. Allele origin: germline. Affected: yes.
Comment: Not observed at significant frequency in large population cohorts (gnomAD); In silico analysis supports that this missense variant does not alter protein structure/function; Has not been previously published as pathogenic or benign to our knowledge

NM_005027.4(PIK3R2):c.1836C>G (p.Asp612Glu)

Gene: PIK3R2 (phosphoinositide-3-kinase regulatory subunit 2; plus strand). Cytogenetic location: 19p13.11.
Variant type: single nucleotide variant.
Coding change: c.1836C>G on transcript NM_005027.4 (MANE Select); coding-DNA position 1836, C replaced by G.
Protein change: p.Asp612Glu; replaces aspartic acid 612 with glutamic acid.
Molecular consequence: missense variant. On other transcripts: non-coding transcript variant (2).
Genome position (GRCh38, 1-based): chr19:18,168,753, C>G. VCF-style: chr19-18168753-C-G. GRCh37 (hg19) VCF-style: chr19-18279563-C-G.
Other names: short protein forms D612E.
Identifiers: ClinVar variation 3369674 (VCV003369674.1).